The following is an entry in ClinVar:

NM_001040142.2(SCN2A):c.-51-1722_-51-1720dup

Gene: SCN2A (sodium voltage-gated channel alpha subunit 2; plus strand). Cytogenetic location: 2q24.3.
Variant type: Duplication.
Coding change: c.-51-1722_-51-1720dup on transcript NM_001040142.2 (MANE Select); 1722 bases into the intron before 51 bases upstream of the start codon through 1720 bases into the intron before 51 bases upstream of the start codon, 3 bases duplicated (TTT; older notation c.-51-1722_-51-1720dupTTT).
Molecular consequence: intron variant.
Genome position (GRCh38, 1-based): chr2:165,294,051-165,294,053, TTT duplicated; duplicating any 3 consecutive bases within chr2:165,294,041-165,294,053 gives the same sequence; the c. name uses the placement nearest the transcript's 3' end. VCF-style (leftmost placement, unchanged base first): chr2-165294040-A-ATTT. GRCh37 (hg19) VCF-style: chr2-166150550-A-ATTT.
Other names: c.-51-1722_-51-1720dup (NM_001040143.2, NM_001371246.1, NM_001371247.1).
Identifiers: ClinVar variation 2651482 (VCV002651482.22), dbSNP rs1553563950, ClinGen allele CA760117732.

ClinVar aggregate classification (germline): Benign (1 of 4 stars; one submission).

Submission:

CeGaT Center for Human Genetics Tuebingen
Classification: Benign. Last evaluated: 2022-09-01. Review status: criteria provided, single submitter. Criteria: CeGaT Center For Human Genetics Tuebingen Variant Classification Criteria Version 2. Collection method: clinical testing. Allele origin: germline. Affected: yes. Observed: 1 variant allele.
Comment: SCN2A: BS1, BS2